The following is an entry in ClinVar:

NM_006031.6(PCNT):c.721-8C>T

Gene: PCNT (pericentrin; plus strand). Cytogenetic location: 21q22.3.
Variant type: single nucleotide variant.
Coding change: c.721-8C>T on transcript NM_006031.6 (MANE Select); 8 bases into the intron before coding-DNA position 721, C replaced by T.
Molecular consequence: intron variant.
Genome position (GRCh38, 1-based): chr21:46,346,735, C>T. VCF-style: chr21-46346735-C-T. GRCh37 (hg19) VCF-style: chr21-47766649-C-T.
Other names: c.721-8C>T (NM_006031.5); c.367-8C>T (NM_001315529.2).
Identifiers: ClinVar variation 3016022 (VCV003016022.5), dbSNP rs773631067, ClinGen allele CA10078394.
Genomic context (GRCh38, chr21:46,346,735, plus strand): 5'-TCTGTGTCTCCCTGATGCGCCCTGGTTCTGACCATGGGCCCTTATCAGAGGCCTTTTCTC[C>T]GCCGCAGGCCGTGCATGGCCTTGAGCTGGAGGCGCTGCGCCTGAGTCTGAGCAACATGCA-3'

ClinVar aggregate classification (germline): Likely benign. Review status: criteria provided, single submitter (1 of 4 stars). 2 submissions from 2 submitters: Likely benign (1). 1 of the submissions does not count toward it. Last evaluated 2025-02-03.

Conditions:
PCNT-related disorder. Also called: PCNT-related condition.

Allele frequency attached by ClinVar (database versions not stated): gnomAD exomes 0.00001; gnomAD 0.00008; TOPMed 0.00007; ExAC 0.00008.
gnomAD v4.1: 29 of 1,593,536 alleles (0.0018%); highest among the groups gnomAD compares: African/African-American, 0.027%; no homozygotes.

Submissions (2):

Labcorp Genetics (formerly Invitae), Labcorp
Classification: Likely benign. Last evaluated: 2025-02-03. Review status: criteria provided, single submitter. Criteria: Invitae Variant Classification Sherloc (09022015). Collection method: clinical testing. Allele origin: germline.

PreventionGenetics, part of Exact Sciences
Classification: Likely benign for PCNT-related condition. Last evaluated: 2022-10-18. Review status: no assertion criteria provided. Collection method: clinical testing. Allele origin: germline. Not counted in ClinVar's aggregate classification.
Comment: This variant is classified as likely benign based on ACMG/AMP sequence variant interpretation guidelines (Richards et al. 2015 PMID: 25741868, with internal and published modifications).